The following is an entry in ClinVar:

NM_006766.5(KAT6A):c.2228+6T>G

Gene: KAT6A (lysine acetyltransferase 6A; minus strand). Cytogenetic location: 8p11.21.
Variant type: single nucleotide variant.
Coding change: c.2228+6T>G on transcript NM_006766.5 (MANE Select); 6 bases into the intron after coding-DNA position 2228, T replaced by G.
Molecular consequence: intron variant.
Genome position (GRCh38, 1-based): chr8:41,943,742, A>C on the plus strand (T>G on the coding strand, the complement: KAT6A is on the minus strand). VCF-style: chr8-41943742-A-C. GRCh37 (hg19) VCF-style: chr8-41801260-A-C.
Other names: c.2228+6T>G (NM_001305878.2).
Identifiers: ClinVar variation 2877574 (VCV002877574.3), dbSNP rs767214746, ClinGen allele CA4729956.
Genomic context (GRCh38, chr8:41,943,742, plus strand): 5'-CTGGCTGATCCAAAAAACTTCAACCTAATTATCTTTCAAAGGTATACAAAAAGATGTGAT[A>C]CTCACTGGTCACTACGGAAGTCCAGCATTCGTAGGTGGTGGAGTGTGGAAGTGATGTCTT-3'

ClinVar aggregate classification (germline): Uncertain significance (1 of 4 stars; one submission).

Allele frequency attached by ClinVar (database versions not stated): ExAC 0.00001; gnomAD 0.00001; TOPMed 0.00001.
gnomAD v4.1: 2 of 1,600,210 alleles (0.00012%); highest among the groups gnomAD compares: African/African-American, 0.0027%; no homozygotes.

Submission:

Labcorp Genetics (formerly Invitae), Labcorp
Classification: Uncertain significance. Last evaluated: 2024-11-28. Review status: criteria provided, single submitter. Criteria: Invitae Variant Classification Sherloc (09022015). Collection method: clinical testing. Allele origin: germline.
Comment: This sequence change falls in intron 13 of the KAT6A gene. It does not directly change the encoded amino acid sequence of the KAT6A protein. It affects a nucleotide within the consensus splice site. This variant is not present in population databases (gnomAD no frequency). This variant has not been reported in the literature in individuals affected with KAT6A-related conditions. ClinVar contains an entry for this variant (Variation ID: 2877574). Variants that disrupt the consensus splice site are a relatively common cause of aberrant splicing (PMID: 17576681, 9536098). Algorithms developed to predict the effect of sequence changes on RNA splicing suggest that this variant may disrupt the consensus splice site. In summary, the available evidence is currently insufficient to determine the role of this variant in disease. Therefore, it has been classified as a Variant of Uncertain Significance.

Literature cited by the submitters: PubMed 17576681; PubMed 9536098.